The following is an entry in ClinVar:

NM_001754.5(RUNX1):c.924C>T (p.Ser308=)

Gene: RUNX1 (RUNX family transcription factor 1; minus strand). Cytogenetic location: 21q22.12.
Variant type: single nucleotide variant.
Coding change: c.924C>T on transcript NM_001754.5 (MANE Select); coding-DNA position 924, C replaced by T.
Protein change: p.Ser308=; no amino-acid change (serine 308 retained).
Molecular consequence: synonymous variant.
Genome position (GRCh38, 1-based): chr21:34,799,344, G>A on the plus strand (C>T on the coding strand, the complement: RUNX1 is on the minus strand). VCF-style: chr21-34799344-G-A. GRCh37 (hg19) VCF-style: chr21-36171641-G-A.
Other names: c.924C>T (NM_001754.4); c.843C>T, p.Ser281= (NM_001001890.3).
Identifiers: ClinVar variation 415830 (VCV000415830.13), dbSNP rs1060504666, ClinGen allele CA16616518.

ClinVar aggregate classification (germline): Likely benign. Review status: reviewed by expert panel (3 of 4 stars). 3 submissions from 3 submitters: Likely benign (1). 2 of the submissions do not count toward it. Last evaluated 2020-04-10.

Conditions:
Hereditary thrombocytopenia and hematologic cancer predisposition syndrome. Identifiers: Orphanet 71290, MedGen CN281654, MONDO:0011071.
Inborn genetic diseases. Identifiers: MedGen C0950123, MeSH D030342.
Hereditary thrombocytopenia and hematological cancer predisposition syndrome associated with RUNX1. Also called: Familial Platelet Disorder with Propensity to Acute Myelogenous Leukemia; Familial thrombocytopenia with propensity to acute myelogenous leukemia; PLATELET DISORDER, ASPIRIN-LIKE; RUNX1 Familial Platelet Disorder with Associated Myeloid Malignancies. Identifiers: Orphanet 71290, MedGen C1832388, MeSH C563324, MONDO:0100083, OMIM 601399.

Allele frequency attached by ClinVar (database versions not stated): gnomAD exomes below 0.00001; gnomAD 0.00001; TOPMed 0.00002.
gnomAD v4.1: 8 of 1,614,070 alleles (0.0005%); highest among the groups gnomAD compares: Admixed American, 0.0017%; no homozygotes.

Submissions (3):

ClinGen Myeloid Malignancy Variant Curation Expert Panel
Classification: Likely benign for Hereditary thrombocytopenia and hematologic cancer predisposition syndrome. Last evaluated: 2020-04-10. Review status: reviewed by expert panel. Criteria: ClinGen MyeloMalig ACMG Specifications v1. Collection method: curation. Allele origin: germline. Inheritance: Autosomal dominant inheritance.
Comment: The synonymous variant is predicted by SSF and MES to lead to either an increase in the canonical splice site score or a decrease of the canonical splice site score by no more than 10% and no putative cryptic splice sites are created; in addition, evolutionary conservation prediction algorithms predict the site as not being highly conserved (PhyloP score: -0.68 < 0.1 [-14.1;6.4]) (BP4+BP7). In summary, this variant meets criteria to be classified as likely benign. ACMG/AMP criteria applied, as specified by the ClinGen Myeloid Malignancy Variant Curation Expert Panel for RUNX1: BP4, BP7.

Ambry Genetics
Classification: Likely benign for Inborn genetic diseases. Last evaluated: 2024-12-15. Review status: criteria provided, single submitter. Criteria: Ambry Variant Classification Scheme 2023. Collection method: clinical testing. Allele origin: germline. Not counted in ClinVar's aggregate classification.

Labcorp Genetics (formerly Invitae), Labcorp
Classification: Likely benign for Hereditary thrombocytopenia and hematological cancer predisposition syndrome associated with RUNX1. Last evaluated: 2023-08-24. Review status: criteria provided, single submitter. Criteria: Invitae Variant Classification Sherloc (09022015). Collection method: clinical testing. Allele origin: germline. Not counted in ClinVar's aggregate classification.